The following is an entry in ClinVar:

ClinVar aggregate classification (germline): Benign (1 of 4 stars; one submission).

Conditions:
Amyotrophic neuralgia (HNA). Also called: AMYOTROPHY, HEREDITARY NEURALGIC; Hereditary Brachial Plexus Neuropathy; Neuritis with Brachial Predilection; AMYOTROPHY, HEREDITARY NEURALGIC, WITH PREDILECTION FOR BRACHIAL PLEXUS. Identifiers: Orphanet 2901, MedGen C1834304, MONDO:0008076, OMIM 162100.

Allele frequency attached by ClinVar (database versions not stated): 1000 Genomes Project 0.00100; 1000 Genomes Project 30x 0.00109; gnomAD exomes 0.00356; gnomAD 0.00357 and 0.00358; TOPMed 0.00411.
gnomAD v4.1: 702 of 193,522 alleles (0.36%); highest among the groups gnomAD compares: Admixed American, 0.95%; 1 homozygote.

Submission:

Illumina Laboratory Services, Illumina
Classification: Benign for Amyotrophy, hereditary neuralgic. Last evaluated: 2018-01-13. Review status: criteria provided, single submitter. Criteria: ICSL Variant Classification Criteria 13 December 2019. Collection method: clinical testing. Allele origin: germline.
Comment: This variant was observed in the ICSL laboratory as part of a predisposition screen in an ostensibly healthy population. It had not been previously curated by ICSL or reported in the Human Gene Mutation Database (HGMD: prior to June 1st, 2018), and was therefore a candidate for classification through an automated scoring system. Utilizing variant allele frequency, disease prevalence and penetrance estimates, and inheritance mode, an automated score was calculated to assess if this variant is too frequent to cause the disease. Based on the score and internal cut-off values, a variant classified as benign is not then subjected to further curation. The score for this variant resulted in a classification of benign for this disease.

NM_001113491.2(SEPTIN9):c.*1900A>G

Gene: SEPTIN9 (septin 9; plus strand). Cytogenetic location: 17q25.3.
Variant type: single nucleotide variant.
Coding change: c.*1900A>G on transcript NM_001113491.2 (MANE Select); 1900 bases downstream of the stop codon, A replaced by G.
Molecular consequence: 3 prime UTR variant.
Genome position (GRCh38, 1-based): chr17:77,500,558, A>G. VCF-style: chr17-77500558-A-G. GRCh37 (hg19) VCF-style: chr17-75496640-A-G.
Other names: c.*1900A>G (NM_001113492.2, NM_001113493.2, NM_001113494.1 and 7 more transcripts).
Identifiers: ClinVar variation 325618 (VCV000325618.5), dbSNP rs180847518, ClinGen allele CA10646988.